The following is an entry in ClinVar:

NM_006172.4(NPPA):c.13T>A (p.Ser5Thr)

Genes: NPPA (natriuretic peptide A; minus strand), LOC114827827 (VISTA enhancer hs2123; plus strand). Cytogenetic location: 1p36.22.
Variant type: single nucleotide variant.
Coding change: c.13T>A on transcript NM_006172.4 (MANE Select); coding-DNA position 13, T replaced by A.
Protein change: p.Ser5Thr; replaces serine 5 with threonine.
Molecular consequence: missense variant.
Genome position (GRCh38, 1-based): chr1:11,847,672, A>T on the plus strand (T>A on the coding strand, the complement: NPPA is on the minus strand). VCF-style: chr1-11847672-A-T. GRCh37 (hg19) VCF-style: chr1-11907729-A-T.
Other names: short protein forms S5T.
Identifiers: ClinVar variation 1936349 (VCV001936349.5), dbSNP rs1645079555, ClinGen allele CA338452087.
Genomic context (GRCh38, chr1:11,847,672, plus strand): 5'-CTCTGGTCTGACCTAGGAGCTGGAATGCCAGTAAAAGGAGGAAGCTCACGGTGGTGGTGG[A>T]GAAGGAGCTCATGCTGGCGTCGTCAAGGAGCAATCCACTGCTTGCTGCTCTGTCTCTCCC-3'
Protein context (NP_006163.1, residues 1-15): MSSF[Ser5Thr]TTTVSFLLLL

ClinVar aggregate classification (germline): Uncertain significance (1 of 4 stars; one submission).

Conditions:
Atrial fibrillation, familial, 6 (ATFB6). Identifiers: MedGen C2677294, MONDO:0012816, OMIM 612201.

Submission:

Labcorp Genetics (formerly Invitae), Labcorp
Classification: Uncertain significance for Atrial fibrillation, familial, 6. Last evaluated: 2024-10-18. Review status: criteria provided, single submitter. Criteria: Invitae Variant Classification Sherloc (09022015). Collection method: clinical testing. Allele origin: germline.
Comment: This sequence change replaces serine, which is neutral and polar, with threonine, which is neutral and polar, at codon 5 of the NPPA protein (p.Ser5Thr). This variant is not present in population databases (gnomAD no frequency). This variant has not been reported in the literature in individuals affected with NPPA-related conditions. ClinVar contains an entry for this variant (Variation ID: 1936349). An algorithm developed to predict the effect of missense changes on protein structure and function outputs the following: PolyPhen-2: "Not Available". The threonine amino acid residue is found in multiple mammalian species, which suggests that this missense change does not adversely affect protein function. In summary, the available evidence is currently insufficient to determine the role of this variant in disease. Therefore, it has been classified as a Variant of Uncertain Significance.